The following is an entry in ClinVar:

NM_152564.5(VPS13B):c.1652-9T>A

Gene: VPS13B (vacuolar protein sorting 13 homolog B; plus strand). Cytogenetic location: 8q22.2.
Variant type: single nucleotide variant.
Coding change: c.1652-9T>A on transcript NM_152564.5 (MANE Select); 9 bases into the intron before coding-DNA position 1652, T replaced by A.
Molecular consequence: intron variant.
Genome position (GRCh38, 1-based): chr8:99,142,965, T>A. VCF-style: chr8-99142965-T-A. GRCh37 (hg19) VCF-style: chr8-100155193-T-A.
Other names: c.1652-9T>A (NM_017890.5, NM_015243.3, NM_152564.4).
Identifiers: ClinVar variation 626048 (VCV000626048.12), dbSNP rs375615155, ClinGen allele CA4822712.

ClinVar aggregate classification (germline): Conflicting classifications of pathogenicity. Review status: criteria provided, conflicting classifications (1 of 4 stars). 3 submissions from 3 submitters: Uncertain significance (1); Likely benign (2). Last evaluated 2026-09-14.

Conditions:
VPS13B-related disorder. Also called: VPS13B-related condition.
Cohen syndrome (COH1). Also called: Cutis verticis gyrata, retinitis pigmentosa, and sensorineural deafness; PEPPER SYNDROME. Identifiers: Orphanet 193, MedGen C0265223, MONDO:0008999, OMIM 216550.

Allele frequency attached by ClinVar (database versions not stated): ExAC 0.00003; TOPMed 0.00004; gnomAD 0.00005; ESP Exome Variant Server 0.00015; 1000 Genomes Project 30x 0.00016; 1000 Genomes Project 0.00020.
gnomAD v4.1: 12 of 1,610,212 alleles (0.00075%); highest among the groups gnomAD compares: Middle Eastern, 0.017%; no homozygotes.

Submissions (3):

PreventionGenetics, part of Exact Sciences
Classification: Likely benign for VPS13B-related condition. Last evaluated: 2026-09-14. Review status: criteria provided, single submitter. Criteria: ACMG Guidelines, 2015. Collection method: clinical testing. Allele origin: germline.
Comment: This variant is classified as likely benign based on ACMG/AMP sequence variant interpretation guidelines (Richards et al. 2015 PMID: 25741868, with internal and published modifications).

Labcorp Genetics (formerly Invitae), Labcorp
Classification: Likely benign for Cohen syndrome. Last evaluated: 2025-10-15. Review status: criteria provided, single submitter. Criteria: Invitae Variant Classification Sherloc (09022015). Collection method: clinical testing. Allele origin: germline.

Center for Genomics, Ann and Robert H. Lurie Children's Hospital of Chicago
Classification: Uncertain significance for Cohen syndrome. Last evaluated: 2021-03-30. Review status: criteria provided, single submitter. Criteria: ACMG Guidelines, 2015. Collection method: clinical testing. Allele origin: germline.
Comment: VPS13B NM_017890 exon 13 c.1652-9T>A: This variant has not been reported in the literature but is present in 5/23598 African alleles in the Genome Aggregation Database. Evolutionary conservation and computational predictive tools for this variant are limited or unavailable. This variant is an intronic variant with no predicted change in the amino acid sequence but may have an unknown effect on splicing. Further studies are needed to understand its impact. In summary, data on this variant is insufficient for disease classification. Therefore, the clinical significance of this variant is uncertain.